The following is an entry in ClinVar:

ClinVar aggregate classification (germline): Pathogenic/Likely pathogenic. Review status: criteria provided, multiple submitters, no conflicts (2 of 4 stars). 4 submissions from 4 submitters: Pathogenic (1); Likely pathogenic (2). 1 of the submissions does not count toward it. Last evaluated 2024-03-25.

Conditions:
XPC-related disorder. Also called: XPC-related condition.
Xeroderma pigmentosum, group C (XPC). Also called: Xeroderma pigmentosum, complementation group C; XPC-Related Xeroderma Pigmentosum; XERODERMA PIGMENTOSUM III; XP, GROUP C. Identifiers: Orphanet 910, MedGen C2752147, MONDO:0010211, OMIM 278720.

Submissions (4):

Genomic Medicine Center of Excellence, King Faisal Specialist Hospital and Research Centre
Classification: Pathogenic for Xeroderma pigmentosum, group C. Last evaluated: 2024-03-25. Review status: criteria provided, single submitter. Criteria: ACMG Guidelines, 2015. Collection method: research. Allele origin: germline.

Labcorp Genetics (formerly Invitae), Labcorp
Classification: Likely pathogenic. Last evaluated: 2022-11-24. Review status: criteria provided, single submitter. Criteria: Invitae Variant Classification Sherloc (09022015). Collection method: clinical testing. Allele origin: germline.
Comment: This sequence change affects a donor splice site in intron 6 of the XPC gene. RNA analysis indicates that disruption of this splice site induces altered splicing and may result in an absent or disrupted protein product. In summary, the currently available evidence indicates that the variant is pathogenic, but additional data are needed to prove that conclusively. Therefore, this variant has been classified as Likely Pathogenic. Studies have shown that disruption of this splice site results in loss of the splicing donor site and introduces a premature termination codon (PMID: 23984341). The resulting mRNA is expected to undergo nonsense-mediated decay. ClinVar contains an entry for this variant (Variation ID: 555583). Disruption of this splice site has been observed in individual(s) with Xeroderma pigmentosum (PMID: 23984341). This variant is not present in population databases (gnomAD no frequency).

Blueprint Genetics
Classification: Likely pathogenic for XPC-related disorders. Last evaluated: 2019-07-04. Review status: criteria provided, single submitter. Criteria: ACMG Guidelines, 2015. Collection method: clinical testing. Allele origin: germline. Affected: yes. Observed: 1 variant allele.

Counsyl
Classification: Likely pathogenic for Xeroderma pigmentosum, group C. Last evaluated: 2017-12-15. Review status: no assertion criteria provided. Collection method: clinical testing. Allele origin: unknown. Not counted in ClinVar's aggregate classification.

Literature cited by the submitters: PubMed 23984341 (cited by Labcorp Genetics (formerly Invitae), Labcorp and Counsyl).

NM_004628.5(XPC):c.779+1G>A

Gene: XPC (XPC complex subunit, DNA damage recognition and repair factor; minus strand). Cytogenetic location: 3p25.1.
Variant type: single nucleotide variant.
Coding change: c.779+1G>A on transcript NM_004628.5 (MANE Select); the canonical splice donor site of the intron after coding-DNA position 779, G replaced by A.
Molecular consequence: splice donor variant.
Genome position (GRCh38, 1-based): chr3:14,165,427, C>T on the plus strand (G>A on the coding strand, the complement: XPC is on the minus strand). VCF-style: chr3-14165427-C-T. GRCh37 (hg19) VCF-style: chr3-14206927-C-T.
Other names: c.761+1G>A (NM_001354729.2); c.200+1G>A (NM_001354726.2); c.779+1G>A (NM_001354730.2, NM_001354727.2).
Identifiers: ClinVar variation 555583 (VCV000555583.8), dbSNP rs975121308, ClinGen allele CA69758674.